The following is an entry in ClinVar:

NM_002691.4(POLD1):c.2100A>G (p.Val700=)

Gene: POLD1 (DNA polymerase delta 1, catalytic subunit; plus strand). Cytogenetic location: 19q13.33.
Variant type: single nucleotide variant.
Coding change: c.2100A>G on transcript NM_002691.4 (MANE Select); coding-DNA position 2100, A replaced by G.
Protein change: p.Val700=; no amino-acid change (valine 700 retained).
Molecular consequence: synonymous variant. On other transcripts: non-coding transcript variant (1).
Genome position (GRCh38, 1-based): chr19:50,409,612, A>G. VCF-style: chr19-50409612-A-G. GRCh37 (hg19) VCF-style: chr19-50912869-A-G.
Other names: c.2100A>G, p.Val700= (NM_001256849.1); c.2178A>G, p.Val726= (NM_001308632.1).
Identifiers: ClinVar variation 221139 (VCV000221139.48), dbSNP rs772468675, ClinGen allele CA350462.

ClinVar aggregate classification (germline): Conflicting classifications of pathogenicity. Review status: criteria provided, conflicting classifications (1 of 4 stars). 9 submissions from 9 submitters: Uncertain significance (1); Benign (1); Likely benign (7). Last evaluated 2026-01-27.

Conditions:
Hereditary cancer-predisposing syndrome. Also called: Neoplastic Syndromes, Hereditary; Hereditary Cancer Syndrome; Tumor predisposition; Hereditary neoplastic syndrome. Identifiers: Orphanet 140162, MedGen C0027672, MeSH D009386, MONDO:0015356.
POLD1-related polyposis and colorectal cancer syndrome (CRCS10). Also called: Colorectal cancer 10; Colorectal cancer, susceptibility to, 10; COLORECTAL CANCER, SUSCEPTIBILITY TO, ON CHROMOSOME 19q. Identifiers: Orphanet 220460, MedGen C2675481, MONDO:0012953, OMIM 612591.

Allele frequency attached by ClinVar (database versions not stated): gnomAD 0.00008 and 0.00009; TOPMed 0.00012; gnomAD exomes 0.00016.
gnomAD v4.1: 118 of 1,611,318 alleles (0.0073%); highest among the groups gnomAD compares: Admixed American, 0.0083%; no homozygotes.

Submissions (9):

Labcorp Genetics (formerly Invitae), Labcorp
Classification: Benign for POLD1-related polyposis and colorectal cancer syndrome. Last evaluated: 2026-01-27. Review status: criteria provided, single submitter. Criteria: Invitae Variant Classification Sherloc (09022015). Collection method: clinical testing. Allele origin: germline.

Blueprint Genetics
Classification: Likely benign. Last evaluated: 2024-10-02. Review status: criteria provided, single submitter. Criteria: ACMG Guidelines, 2015. Collection method: clinical testing. Allele origin: germline.

CeGaT Center for Human Genetics Tuebingen
Classification: Likely benign. Last evaluated: 2022-10-01. Review status: criteria provided, single submitter. Criteria: CeGaT Center For Human Genetics Tuebingen Variant Classification Criteria Version 2. Collection method: clinical testing. Allele origin: germline. Affected: yes. Observed: 1 variant allele.
Comment: POLD1: BP4, BP7

GeneDx
Classification: Likely benign. Last evaluated: 2021-09-20. Review status: criteria provided, single submitter. Criteria: GeneDx Variant Classification Process June 2021. Collection method: clinical testing. Allele origin: germline. Affected: yes.

Genetic Services Laboratory, University of Chicago
Classification: Likely benign. Last evaluated: 2020-08-25. Review status: criteria provided, single submitter. Criteria: ACMG Guidelines, 2015. Collection method: clinical testing. Allele origin: germline. Affected: no.

Sema4
Classification: Likely benign for Hereditary cancer-predisposing syndrome. Last evaluated: 2020-07-08. Review status: criteria provided, single submitter. Criteria: Sema4 Curation Guidelines. Collection method: curation. Allele origin: germline.

PreventionGenetics, part of Exact Sciences
Classification: Likely benign. Last evaluated: 2018-01-02. Review status: criteria provided, single submitter. Criteria: ACMG Guidelines, 2015. Collection method: clinical testing. Allele origin: germline.

Quest Diagnostics Nichols Institute San Juan Capistrano
Classification: Uncertain significance. Last evaluated: 2016-08-24. Review status: criteria provided, single submitter. Criteria: Quest Diagnostics criteria. Collection method: clinical testing. Allele origin: germline.

Ambry Genetics
Classification: Likely benign for Hereditary cancer-predisposing syndrome. Last evaluated: 2015-07-28. Review status: criteria provided, single submitter. Criteria: Ambry Variant Classification Scheme 2023. Collection method: clinical testing. Allele origin: germline.